The following is an entry in ClinVar:

ClinVar aggregate classification (germline): Conflicting classifications of pathogenicity. Review status: criteria provided, conflicting classifications (1 of 4 stars). 4 submissions from 4 submitters: Uncertain significance (1); Likely benign (2). 1 of the submissions does not count toward it. Last evaluated 2026-03-20.

Conditions:
Axenfeld-Rieger syndrome type 3 (RIEG3). Also called: AXENFELD-RIEGER ANOMALY WITH CARDIAC DEFECTS AND/OR SENSORINEURAL HEARING LOSS. Identifiers: Orphanet 782, MedGen C2678503, MONDO:0011233, OMIM 602482.
FOXC1-related disorder. Also called: FOXC1-related condition.

Submissions (4):

GeneDx
Classification: Uncertain significance. Last evaluated: 2026-03-20. Review status: criteria provided, single submitter. Criteria: GeneDx Variant Classification Process June 2021. Collection method: clinical testing. Allele origin: germline.
Comment: Not observed at significant frequency in large population cohorts (gnomAD); In-frame duplication of 2 amino acid(s) in a repetitive region with no known function; Has not been previously published as pathogenic or benign to our knowledge

Labcorp Genetics (formerly Invitae), Labcorp
Classification: Likely benign for Axenfeld-Rieger syndrome type 3. Last evaluated: 2025-12-21. Review status: criteria provided, single submitter. Criteria: Invitae Variant Classification Sherloc (09022015). Collection method: clinical testing. Allele origin: germline.

Dubai Health Genomic Medicine Center, Dubai Health
Classification: Likely benign. Last evaluated: 2020-09-06. Review status: criteria provided, single submitter. Criteria: ACMG Guidelines, 2015. Collection method: clinical testing. Allele origin: germline. Affected: yes.

PreventionGenetics, part of Exact Sciences
Classification: Likely benign for FOXC1-related condition. Last evaluated: 2024-01-18. Review status: no assertion criteria provided. Collection method: clinical testing. Allele origin: germline. Not counted in ClinVar's aggregate classification.
Comment: This variant is classified as likely benign based on ACMG/AMP sequence variant interpretation guidelines (Richards et al. 2015 PMID: 25741868, with internal and published modifications).

NM_001453.3(FOXC1):c.1338CGG[10] (p.Gly455_Gly456dup)

Gene: FOXC1 (forkhead box C1; plus strand). Cytogenetic location: 6p25.3.
Variant type: Microsatellite.
Coding change: c.1338CGG[10] on transcript NM_001453.3 (MANE Select); ten copies in a row of the 3-base unit CGG starting at c.1338; the reference has eight copies in a row; two copies, 6 bases duplicated.
Protein change: p.Gly455_Gly456dup.
Molecular consequence: inframe insertion.
Genome position (GRCh38, 1-based): chr6:1,611,801-1,611,806, CGGCGG duplicated; duplicating any 6 consecutive bases within chr6:1,611,783-1,611,806 gives the same sequence; the position shown is the placement nearest the transcript's 3' end. VCF-style (leftmost placement, unchanged base first): chr6-1611782-A-ACGGCGG. GRCh37 (hg19) VCF-style: chr6-1612017-A-ACGGCGG.
Other names: c.1356_1361dup6 (NM_001453.2).
Identifiers: ClinVar variation 469649 (VCV000469649.18), dbSNP rs398123612, ClinGen allele CA3614887.